The following is an entry in ClinVar:

NM_001122769.3(LCA5):c.634G>C (p.Ala212Pro)

Gene: LCA5 (lebercilin LCA5; minus strand). Cytogenetic location: 6q14.1.
Variant type: single nucleotide variant.
Coding change: c.634G>C on transcript NM_001122769.3 (MANE Select); coding-DNA position 634, G replaced by C.
Protein change: p.Ala212Pro; replaces alanine 212 with proline.
Molecular consequence: missense variant.
Genome position (GRCh38, 1-based): chr6:79,513,298, C>G on the plus strand (G>C on the coding strand, the complement: LCA5 is on the minus strand). VCF-style: chr6-79513298-C-G. GRCh37 (hg19) VCF-style: chr6-80223015-C-G.
Other names: c.634G>C, p.Ala212Pro (NM_181714.4); short protein forms A212P.
Identifiers: ClinVar variation 1303339 (VCV001303339.2), dbSNP rs370574280, ClinGen allele CA3901087.

ClinVar aggregate classification (germline): Uncertain significance (1 of 4 stars; one submission).

Submission:

GeneDx
Classification: Uncertain significance. Last evaluated: 2019-05-12. Review status: criteria provided, single submitter. Criteria: GeneDx Variant Classification Process June 2021. Collection method: clinical testing. Allele origin: germline. Affected: yes.
Comment: In silico analysis, which includes protein predictors and evolutionary conservation, supports that this variant does not alter protein structure/function; This variant is associated with the following publications: (PMID: 27067258, 31054281)